The following is an entry in ClinVar:

ClinVar aggregate classification (germline): Conflicting classifications of pathogenicity. Review status: criteria provided, conflicting classifications (1 of 4 stars). 3 submissions from 3 submitters: Likely pathogenic (1); Uncertain significance (2). Last evaluated 2025-02-10.

Conditions:
Basal ganglia calcification, idiopathic, 5. Also called: PRIMARY FAMILIAL BRAIN CALCIFICATION 5, AUTOSOMAL DOMINANT. Identifiers: Orphanet 1980, MedGen C3809645, MONDO:0014204, OMIM 615483.

Allele frequency attached by ClinVar (database versions not stated): gnomAD exomes below 0.00001.

Submissions (3):

Labcorp Genetics (formerly Invitae), Labcorp
Classification: Likely pathogenic. Last evaluated: 2025-02-10. Review status: criteria provided, single submitter. Criteria: Invitae Variant Classification Sherloc (09022015). Collection method: clinical testing. Allele origin: germline.
Comment: This sequence change replaces arginine, which is basic and polar, with cysteine, which is neutral and slightly polar, at codon 100 of the PDGFB protein (p.Arg100Cys). This variant is not present in population databases (gnomAD no frequency). This missense change has been observed in individuals with PDGFB-related conditions (PMID: 35747618; internal data). It has also been observed to segregate with disease in related individuals. ClinVar contains an entry for this variant (Variation ID: 1679380). Invitae Evidence Modeling of protein sequence and biophysical properties (such as structural, functional, and spatial information, amino acid conservation, physicochemical variation, residue mobility, and thermodynamic stability) indicates that this missense variant is expected to disrupt PDGFB protein function with a positive predictive value of 80%. In summary, the currently available evidence indicates that the variant is pathogenic, but additional data are needed to prove that conclusively. Therefore, this variant has been classified as Likely Pathogenic.

GeneDx
Classification: Uncertain significance. Last evaluated: 2022-11-10. Review status: criteria provided, single submitter. Criteria: GeneDx Variant Classification Process June 2021. Collection method: clinical testing. Allele origin: germline. Affected: yes.
Comment: Not observed at significant frequency in large population cohorts (gnomAD); In silico analysis supports that this missense variant has a deleterious effect on protein structure/function; This variant is associated with the following publications: (PMID: 35747618)

Department of Clinical Genetics, Copenhagen University Hospital, Rigshospitalet
Classification: Uncertain significance for Basal ganglia calcification, idiopathic, 5. Last evaluated: 2021-08-01. Review status: criteria provided, single submitter. Criteria: ACMG Guidelines, 2015. Collection method: clinical testing. Allele origin: inherited. Affected: yes.

Literature cited by the submitters: PubMed 35747618 (cited by Labcorp Genetics (formerly Invitae), Labcorp).

NM_002608.4(PDGFB):c.298C>T (p.Arg100Cys)

Gene: PDGFB (platelet derived growth factor subunit B; minus strand). Cytogenetic location: 22q13.1.
Variant type: single nucleotide variant.
Coding change: c.298C>T on transcript NM_002608.4 (MANE Select); coding-DNA position 298, C replaced by T.
Protein change: p.Arg100Cys; replaces arginine 100 with cysteine.
Molecular consequence: missense variant.
Genome position (GRCh38, 1-based): chr22:39,231,780, G>A on the plus strand (C>T on the coding strand, the complement: PDGFB is on the minus strand). VCF-style: chr22-39231780-G-A. GRCh37 (hg19) VCF-style: chr22-39627785-G-A.
Other names: c.253C>T, p.Arg85Cys (NM_033016.3); short protein forms R100C, R85C.
Identifiers: ClinVar variation 1679380 (VCV001679380.6), dbSNP rs1180781773, ClinGen allele CA411601029.